The following is an entry in ClinVar:

NM_000075.4(CDK4):c.312G>A (p.Leu104=)

Gene: CDK4 (cyclin dependent kinase 4; minus strand). Cytogenetic location: 12q14.1.
Variant type: single nucleotide variant.
Coding change: c.312G>A on transcript NM_000075.4 (MANE Select); coding-DNA position 312, G replaced by A.
Protein change: p.Leu104=; no amino-acid change (leucine 104 retained).
Molecular consequence: synonymous variant.
Genome position (GRCh38, 1-based): chr12:57,751,249, C>T on the plus strand (G>A on the coding strand, the complement: CDK4 is on the minus strand). VCF-style: chr12-57751249-C-T. GRCh37 (hg19) VCF-style: chr12-58145032-C-T.
Identifiers: ClinVar variation 1120990 (VCV001120990.12), dbSNP rs2140387313, ClinGen allele CA480404591.

ClinVar aggregate classification (germline): Benign/Likely benign. Review status: criteria provided, multiple submitters, no conflicts (2 of 4 stars). 3 submissions from 3 submitters: Benign (1); Likely benign (2). Last evaluated 2025-02-03.

Conditions:
Familial melanoma. Also called: Hereditary melanoma; Hereditary cutaneous melanoma. Identifiers: Orphanet 618, MedGen C1512419, MONDO:0018961.
Hereditary cancer-predisposing syndrome. Also called: Neoplastic Syndromes, Hereditary; Hereditary Cancer Syndrome; Hereditary neoplastic syndrome; Tumor predisposition. Identifiers: Orphanet 140162, MedGen C0027672, MeSH D009386, MONDO:0015356.
Melanoma, cutaneous malignant, susceptibility to, 3. Also called: Cutaneous malignant melanoma 3. Identifiers: Orphanet 618, MedGen C1836892, MONDO:0012183, OMIM 609048.

Submissions (3):

Labcorp Genetics (formerly Invitae), Labcorp
Classification: Likely benign for Familial melanoma. Last evaluated: 2025-02-03. Review status: criteria provided, single submitter. Criteria: Invitae Variant Classification Sherloc (09022015). Collection method: clinical testing. Allele origin: germline.

Myriad Genetics, Inc.
Classification: Benign for Melanoma, cutaneous malignant, susceptibility to, 3. Last evaluated: 2024-09-25. Review status: criteria provided, single submitter. Criteria: Myriad Autosomal Dominant, Autosomal Recessive and X-Linked Classification Criteria (2023). Collection method: clinical testing. Allele origin: unknown.
Comment: This variant is considered benign. This variant is a silent/synonymous amino acid change and it is not expected to impact splicing.

Ambry Genetics
Classification: Likely benign for Hereditary cancer-predisposing syndrome. Last evaluated: 2019-04-03. Review status: criteria provided, single submitter. Criteria: Ambry Variant Classification Scheme 2023. Collection method: clinical testing. Allele origin: germline.